The following is an entry in ClinVar:

NM_012144.4(DNAI1):c.1818+2T>A

Gene: DNAI1 (dynein axonemal intermediate chain 1; plus strand). Cytogenetic location: 9p13.3.
Variant type: single nucleotide variant.
Coding change: c.1818+2T>A on transcript NM_012144.4 (MANE Select); the canonical splice donor site of the intron after coding-DNA position 1818, T replaced by A.
Molecular consequence: splice donor variant.
Genome position (GRCh38, 1-based): chr9:34,514,741, T>A. VCF-style: chr9-34514741-T-A. GRCh37 (hg19) VCF-style: chr9-34514739-T-A.
Other names: c.1830+2T>A (NM_001281428.2).
Identifiers: ClinVar variation 2835131 (VCV002835131.3), dbSNP rs2492127795, ClinGen allele CA373264830.

ClinVar aggregate classification (germline): Likely pathogenic (1 of 4 stars; one submission).

Conditions:
Primary ciliary dyskinesia. Also called: Ciliary dyskinesia. Identifiers: Orphanet 244, MedGen C0008780, MONDO:0016575, HP:0012265.

Submission:

Labcorp Genetics (formerly Invitae), Labcorp
Classification: Likely pathogenic for Primary ciliary dyskinesia. Last evaluated: 2023-11-20. Review status: criteria provided, single submitter. Criteria: Invitae Variant Classification Sherloc (09022015). Collection method: clinical testing. Allele origin: germline.
Comment: This sequence change affects a donor splice site in intron 18 of the DNAI1 gene. It is expected to disrupt RNA splicing. Variants that disrupt the donor or acceptor splice site typically lead to a loss of protein function (PMID: 16199547), and loss-of-function variants in DNAI1 are known to be pathogenic (PMID: 16858015, 29363216). This variant is not present in population databases (gnomAD no frequency). This variant has not been reported in the literature in individuals affected with DNAI1-related conditions. Algorithms developed to predict the effect of sequence changes on RNA splicing suggest that this variant may disrupt the consensus splice site. In summary, the currently available evidence indicates that the variant is pathogenic, but additional data are needed to prove that conclusively. Therefore, this variant has been classified as Likely Pathogenic.

Literature cited by the submitters: PubMed 16199547; PubMed 16858015; PubMed 29363216.